The following is an entry in ClinVar:

ClinVar aggregate classification (germline): Conflicting classifications of pathogenicity. Review status: criteria provided, conflicting classifications (1 of 4 stars). 3 submissions from 3 submitters: Uncertain significance (1); Likely benign (1). 1 of the submissions does not count toward it. Last evaluated 2025-01-01.

Conditions:
CUL4B-related disorder. Also called: CUL4B-related condition.

gnomAD v4.1: 8 of 1,194,973 alleles (0.00067%); highest among the groups gnomAD compares: Middle Eastern, 0.1%; no homozygotes.

Submissions (3):

CeGaT Center for Human Genetics Tuebingen
Classification: Likely benign. Last evaluated: 2025-01-01. Review status: criteria provided, single submitter. Criteria: CeGaT Center For Human Genetics Tuebingen Variant Classification Criteria Version 2. Collection method: clinical testing. Allele origin: germline. Affected: yes. Observed: 1 variant allele.
Comment: CUL4B: BS2

Blueprint Genetics
Classification: Uncertain significance. Last evaluated: 2024-03-07. Review status: criteria provided, single submitter. Criteria: ACMG Guidelines, 2015. Collection method: clinical testing. Allele origin: germline.

PreventionGenetics, part of Exact Sciences
Classification: Likely benign for CUL4B-related condition. Last evaluated: 2024-01-29. Review status: no assertion criteria provided. Collection method: clinical testing. Allele origin: germline. Not counted in ClinVar's aggregate classification.
Comment: This variant is classified as likely benign based on ACMG/AMP sequence variant interpretation guidelines (Richards et al. 2015 PMID: 25741868, with internal and published modifications).

NM_001079872.2(CUL4B):c.763C>T (p.His255Tyr)

Gene: CUL4B (cullin 4B; minus strand). Cytogenetic location: Xq24.
Variant type: single nucleotide variant.
Coding change: c.763C>T on transcript NM_001079872.2 (MANE Select); coding-DNA position 763, C replaced by T.
Protein change: p.His255Tyr; replaces histidine 255 with tyrosine.
Molecular consequence: missense variant.
Genome position (GRCh38, 1-based): chrX:120,547,149, G>A on the plus strand (C>T on the coding strand, the complement: CUL4B is on the minus strand). VCF-style: chrX-120547149-G-A. GRCh37 (hg19) VCF-style: chrX-119681004-G-A.
Other names: c.778C>T, p.His260Tyr (NM_001330624.2); c.229C>T, p.His77Tyr (NM_001369145.1); c.817C>T, p.His273Tyr (NM_003588.4); short protein forms H255Y, H260Y, H273Y, H77Y.
Identifiers: ClinVar variation 3350726 (VCV003350726.15).
Genomic context (GRCh38, chrX:120,547,149, plus strand): 5'-GAGAGGAAGACAAAACTATTCACGATTTTTTGTTTTAAAAAGGATATTCTCTGAATTGAT[G>A]AATCTGTGCTTTGATGTGATCTTCGCAGATCTGTCTCAGCTGTTTGTACAAGTTTGCAGA-3'
Protein context (NP_001073341.1, residues 245-265): ICEDHIKAQI[His255Tyr]QFREDSLDSV